The following is an entry in ClinVar:

ClinVar aggregate classification (germline): Uncertain significance (1 of 4 stars; one submission).

Conditions:
Hereditary cancer-predisposing syndrome. Also called: Neoplastic Syndromes, Hereditary; Tumor predisposition; Hereditary Cancer Syndrome; Hereditary neoplastic syndrome. Identifiers: Orphanet 140162, MedGen C0027672, MeSH D009386, MONDO:0015356.

Submission:

Ambry Genetics
Classification: Uncertain significance for Hereditary cancer-predisposing syndrome. Last evaluated: 2026-01-11. Review status: criteria provided, single submitter. Criteria: Ambry Variant Classification Scheme 2023. Collection method: clinical testing. Allele origin: germline.
Comment: The p.I883N variant (also known as c.2648T>A), located in coding exon 11 of the MET gene, results from a T to A substitution at nucleotide position 2648. The isoleucine at codon 883 is replaced by asparagine, an amino acid with dissimilar properties. This amino acid position is conserved. In addition, the in silico prediction for this alteration is inconclusive. Based on the available evidence, the clinical significance of this variant remains unclear.

NM_000245.4(MET):c.2594T>A (p.Ile865Asn)

Gene: MET (MET proto-oncogene, receptor tyrosine kinase; plus strand). Cytogenetic location: 7q31.2.
Variant type: single nucleotide variant.
Coding change: c.2594T>A on transcript NM_000245.4 (MANE Select); coding-DNA position 2594, T replaced by A.
Protein change: p.Ile865Asn; replaces isoleucine 865 with asparagine.
Molecular consequence: missense variant.
Genome position (GRCh38, 1-based): chr7:116,769,655, T>A. VCF-style: chr7-116769655-T-A. GRCh37 (hg19) VCF-style: chr7-116409709-T-A.
Other names: c.2648T>A, p.Ile883Asn (NM_001127500.3); c.2594T>A, p.Ile865Asn (NM_001324401.3); c.1304T>A, p.Ile435Asn (NM_001324402.2); short protein forms I435N, I865N, I883N.
Identifiers: ClinVar variation 4843769 (VCV004843769.1).
Genomic context (GRCh38, chr7:116,769,655, plus strand): 5'-CTGCAGAACTGTGAAGTGTTAACAACCTTTTTTTTTTTTTTTCCTTTCAGGGAAATGATA[T>A]TGACCCTGAAGCAGTTAAAGGTGAAGTGTTAAAAGTTGGAAATAAGAGCTGTGAGAATAT-3'
Protein context (NP_000236.2, residues 855-875): ENVLEIKGND[Ile865Asn]DPEAVKGEVL